The following is an entry in ClinVar:

ClinVar aggregate classification (germline): Uncertain significance. Review status: criteria provided, multiple submitters, no conflicts (2 of 4 stars). 2 submissions from 2 submitters: Uncertain significance (2). Last evaluated 2024-02-05.

Conditions:
Hereditary cancer-predisposing syndrome. Also called: Hereditary neoplastic syndrome; Neoplastic Syndromes, Hereditary; Tumor predisposition; Hereditary Cancer Syndrome. Identifiers: Orphanet 140162, MedGen C0027672, MeSH D009386, MONDO:0015356.
Familial adenomatous polyposis 1 (FAP1). Also called: POLYPOSIS, ADENOMATOUS INTESTINAL; FAMILIAL ADENOMATOUS POLYPOSIS 1, ATTENUATED. Identifiers: MedGen C2713442, MONDO:0021056, OMIM 175100. Disease mechanism: loss of function.

Submissions (2):

Labcorp Genetics (formerly Invitae), Labcorp
Classification: Uncertain significance for Familial adenomatous polyposis 1. Last evaluated: 2024-02-05. Review status: criteria provided, single submitter. Criteria: Invitae Variant Classification Sherloc (09022015). Collection method: clinical testing. Allele origin: germline.
Comment: This sequence change replaces alanine, which is neutral and non-polar, with threonine, which is neutral and polar, at codon 1553 of the APC protein (p.Ala1553Thr). This variant is not present in population databases (gnomAD no frequency). This variant has not been reported in the literature in individuals affected with APC-related conditions. ClinVar contains an entry for this variant (Variation ID: 469974). Advanced modeling of protein sequence and biophysical properties (such as structural, functional, and spatial information, amino acid conservation, physicochemical variation, residue mobility, and thermodynamic stability) performed at Invitae indicates that this missense variant is not expected to disrupt APC protein function with a negative predictive value of 95%. In summary, the available evidence is currently insufficient to determine the role of this variant in disease. Therefore, it has been classified as a Variant of Uncertain Significance.

Ambry Genetics
Classification: Uncertain significance for Hereditary cancer-predisposing syndrome. Last evaluated: 2023-10-25. Review status: criteria provided, single submitter. Criteria: Ambry Variant Classification Scheme 2023. Collection method: clinical testing. Allele origin: germline.
Comment: The p.A1553T variant (also known as c.4657G>A), located in coding exon 15 of the APC gene, results from a G to A substitution at nucleotide position 4657. The alanine at codon 1553 is replaced by threonine, an amino acid with similar properties. This amino acid position is poorly conserved in available vertebrate species. In addition, in silico predictors for this gene do not accurately predict pathogenicity. Since supporting evidence is limited at this time, the clinical significance of this alteration remains unclear.

NM_000038.6(APC):c.4657G>A (p.Ala1553Thr)

Gene: APC (APC regulator of Wnt signaling pathway; plus strand). Cytogenetic location: 5q22.2.
Variant type: single nucleotide variant.
Coding change: c.4657G>A on transcript NM_000038.6 (MANE Select); coding-DNA position 4657, G replaced by A.
Protein change: p.Ala1553Thr; replaces alanine 1553 with threonine.
Molecular consequence: missense variant.
Genome position (GRCh38, 1-based): chr5:112,840,251, G>A. VCF-style: chr5-112840251-G-A. GRCh37 (hg19) VCF-style: chr5-112175948-G-A.
Other names: c.4657G>A, p.Ala1553Thr (NM_001127510.3, NM_001354895.2); c.4603G>A, p.Ala1535Thr (NM_001127511.3); c.4711G>A, p.Ala1571Thr (NM_001354896.2); c.4687G>A, p.Ala1563Thr (NM_001354897.2); c.4582G>A, p.Ala1528Thr (NM_001354898.2); c.4573G>A, p.Ala1525Thr (NM_001354899.2); c.4534G>A, p.Ala1512Thr (NM_001354900.2); c.4480G>A, p.Ala1494Thr (NM_001354901.2); and 5 more; short protein forms A1553T, A1535T, A1270T, A1393T, A1427T, A1462T, A1494T, A1525T.
Identifiers: ClinVar variation 469974 (VCV000469974.9), dbSNP rs1554086047, ClinGen allele CA16031539.